The following is an entry in ClinVar:

NM_005045.4(RELN):c.3815C>T (p.Ala1272Val)

Gene: RELN (reelin; minus strand). Cytogenetic location: 7q22.1.
Variant type: single nucleotide variant.
Coding change: c.3815C>T on transcript NM_005045.4 (MANE Select); coding-DNA position 3815, C replaced by T.
Protein change: p.Ala1272Val; replaces alanine 1272 with valine.
Molecular consequence: missense variant.
Genome position (GRCh38, 1-based): chr7:103,593,779, G>A on the plus strand (C>T on the coding strand, the complement: RELN is on the minus strand). VCF-style: chr7-103593779-G-A. GRCh37 (hg19) VCF-style: chr7-103234226-G-A.
Other names: c.3815C>T, p.Ala1272Val (NM_173054.3); c.3815C>T (NM_005045.3); short protein forms A1272V.
Identifiers: ClinVar variation 1481426 (VCV001481426.8), dbSNP rs375784624, ClinGen allele CA163941159.

ClinVar aggregate classification (germline): Uncertain significance. Review status: criteria provided, multiple submitters, no conflicts (2 of 4 stars). 2 submissions from 2 submitters: Uncertain significance (2). Last evaluated 2024-10-24.

Conditions:
Inborn genetic diseases. Identifiers: MedGen C0950123, MeSH D030342.
Norman-Roberts syndrome (LIS2). Also called: Lissencephaly 2 (Norman-Roberts type). Identifiers: Orphanet 89844, MedGen C0796089, MONDO:0009760, OMIM 257320.
Familial temporal lobe epilepsy 7. Identifiers: Orphanet 101046, MedGen C4225327, MONDO:0014639, OMIM 616436.

Allele frequency attached by ClinVar (database versions not stated): gnomAD exomes 0.00001; TOPMed 0.00001; ESP Exome Variant Server 0.00008.
gnomAD v4.1: 12 of 1,613,310 alleles (0.00074%); highest among the groups gnomAD compares: Non-Finnish European, 0.00093%; no homozygotes.

Submissions (2):

Labcorp Genetics (formerly Invitae), Labcorp
Classification: Uncertain significance for Familial temporal lobe epilepsy 7; Norman-Roberts syndrome. Last evaluated: 2024-10-24. Review status: criteria provided, single submitter. Criteria: Invitae Variant Classification Sherloc (09022015). Collection method: clinical testing. Allele origin: germline.
Comment: This sequence change replaces alanine, which is neutral and non-polar, with valine, which is neutral and non-polar, at codon 1272 of the RELN protein (p.Ala1272Val). This variant is not present in population databases (gnomAD no frequency). This variant has not been reported in the literature in individuals affected with RELN-related conditions. ClinVar contains an entry for this variant (Variation ID: 1481426). Invitae Evidence Modeling of protein sequence and biophysical properties (such as structural, functional, and spatial information, amino acid conservation, physicochemical variation, residue mobility, and thermodynamic stability) indicates that this missense variant is not expected to disrupt RELN protein function with a negative predictive value of 80%. In summary, the available evidence is currently insufficient to determine the role of this variant in disease. Therefore, it has been classified as a Variant of Uncertain Significance.

Ambry Genetics
Classification: Uncertain significance for Inborn genetic diseases. Last evaluated: 2023-08-22. Review status: criteria provided, single submitter. Criteria: Ambry Variant Classification Scheme 2023. Collection method: clinical testing. Allele origin: germline.